The following is an entry in ClinVar:

NM_020872.3(CNTN3):c.1431C>T (p.Tyr477=)

Gene: CNTN3 (contactin 3; minus strand). Cytogenetic location: 3p12.3.
Variant type: single nucleotide variant.
Coding change: c.1431C>T on transcript NM_020872.3 (MANE Select); coding-DNA position 1431, C replaced by T.
Protein change: p.Tyr477=; no amino-acid change (tyrosine 477 retained).
Molecular consequence: synonymous variant.
Genome position (GRCh38, 1-based): chr3:74,336,592, G>A on the plus strand (C>T on the coding strand, the complement: CNTN3 is on the minus strand). VCF-style: chr3-74336592-G-A. GRCh37 (hg19) VCF-style: chr3-74385743-G-A.
Other names: c.1431C>T, p.Tyr477= (NM_001393376.1).
Identifiers: ClinVar variation 3033414 (VCV003033414.2), dbSNP rs1282558849, ClinGen allele CA434170767.

ClinVar aggregate classification (germline): Likely benign (0 of 4 stars; one submission).

Conditions:
CNTN3-related disorder. Also called: CNTN3-related condition.

Allele frequency attached by ClinVar (database versions not stated): gnomAD exomes below 0.00001; TOPMed 0.00003; gnomAD 0.00005.
gnomAD v4.1: 10 of 1,612,426 alleles (0.00062%); highest among the groups gnomAD compares: African/African-American, 0.011%; no homozygotes.

Submission:

PreventionGenetics, part of Exact Sciences
Classification: Likely benign for CNTN3-related condition. Last evaluated: 2019-06-11. Review status: no assertion criteria provided. Collection method: clinical testing. Allele origin: germline.
Comment: This variant is classified as likely benign based on ACMG/AMP sequence variant interpretation guidelines (Richards et al. 2015 PMID: 25741868, with internal and published modifications).